The following is an entry in ClinVar:

NM_000127.3(EXT1):c.966T>G (p.Tyr322Ter)

Gene: EXT1 (exostosin glycosyltransferase 1; minus strand). Cytogenetic location: 8q24.11.
Variant type: single nucleotide variant.
Coding change: c.966T>G on transcript NM_000127.3 (MANE Select); coding-DNA position 966, T replaced by G.
Protein change: p.Tyr322Ter; replaces tyrosine 322 with a stop codon.
Molecular consequence: nonsense.
Genome position (GRCh38, 1-based): chr8:117,837,198, A>C on the plus strand (T>G on the coding strand, the complement: EXT1 is on the minus strand). VCF-style: chr8-117837198-A-C. GRCh37 (hg19) VCF-style: chr8-118849437-A-C.
Other names: short protein forms Y322*.
Identifiers: ClinVar variation 5001093 (VCV005001093.1).

ClinVar aggregate classification (germline): Pathogenic (1 of 4 stars; one submission).

Conditions:
EXT1-related disorder. Also called: EXT1-related condition.

Submission:

PreventionGenetics, part of Exact Sciences
Classification: Pathogenic for EXT1-related condition. Last evaluated: 2024-11-25. Review status: criteria provided, single submitter. Criteria: ACMG Guidelines, 2015. Collection method: clinical testing. Allele origin: germline.
Comment: The EXT1 c.966T>G variant is predicted to result in premature protein termination (p.Tyr322*). This variant has been reported in individuals with multiple osteochondromas (Lonie et al. 2006. PubMed ID: 17041877; Fusco et al. 2019. PubMed ID: 30806661). This variant has not been reported in a large population database (gnomAD), indicating this variant is rare. Nonsense variants in EXT1 are expected to be pathogenic. This variant is interpreted as pathogenic.